The following is an entry in ClinVar:

ClinVar aggregate classification (germline): Likely pathogenic (1 of 4 stars; one submission).

Conditions:
Syndromic X-linked intellectual disability Najm type (MICPCH). Also called: MICPCH SYNDROME; Intellectual developmental disorder and microcephaly with pontine and cerebellar hypoplasia; Mental retardation and microcephaly with pontine and cerebellar hypoplasia; Intellectual Disability and Microcephaly with Pontine and Cerebellar Hypoplasia; MENTAL RETARDATION, X-LINKED, SYNDROMIC, NAJM TYPE; Intellectual Disability and Microcephaly with Pontine and Cerebellar Hypoplasia (MICPCH). Identifiers: Orphanet 163937, MedGen C2677903, MONDO:0010417, OMIM 300749.

Submissions (3):

3billion
Classification: Likely pathogenic for Syndromic X-linked intellectual disability Najm type. Last evaluated: 2022-01-03. Review status: criteria provided, single submitter. Criteria: ACMG Guidelines, 2015. Collection method: clinical testing. Allele origin: germline. Affected: yes. Observed: 1 heterozygote.
Comment: Canonical splice site: predicted to alter splicing and result in a loss or disruption of normal protein function through protein truncation. Multiple pathogenic variants are reported in the predicted truncated region (PVS1_VS). It is not observed in the gnomAD v2.1.1 dataset (PM2_M). Therefore, this variant is classified as likely pathogenic according to the recommendation of ACMG/AMP guideline.

Dr. Peter K. Rogan Lab, Western University
No classification provided (evidence only). Condition: Clear cell carcinoma of kidney. Review status: no classification provided. Collection method: in vitro. Allele origin: not applicable. Functional consequence: skipped exon. Not counted in ClinVar's aggregate classification.

Dr. Peter K. Rogan Lab, Western University
No classification provided (evidence only). Condition: Nonpapillary renal cell carcinoma. Review status: no classification provided. Collection method: in vitro. Allele origin: not applicable. Functional consequence: retained intron. Not counted in ClinVar's aggregate classification.

NM_001367721.1(CASK):c.1582+1G>A

Gene: CASK (calcium/calmodulin dependent serine protein kinase; minus strand). Cytogenetic location: Xp11.4.
Variant type: single nucleotide variant.
Coding change: c.1582+1G>A on transcript NM_001367721.1 (MANE Select); the canonical splice donor site of the intron after coding-DNA position 1582, G replaced by A.
Molecular consequence: splice donor variant.
Genome position (GRCh38, 1-based): chrX:41,569,667, C>T on the plus strand (G>A on the coding strand, the complement: CASK is on the minus strand). VCF-style: chrX-41569667-C-T. GRCh37 (hg19) VCF-style: chrX-41428920-C-T.
Other names: NC_000023.10:g.41428920C>T; c.1564+1G>A (NM_001126055.3, NM_001410745.1); c.1582+1G>A (NM_001126054.3, NM_003688.4).
Identifiers: ClinVar variation 1333658 (VCV001333658.2), dbSNP rs2147179060, ClinGen allele CA412995509.
Genomic context (GRCh38, chrX:41,569,667, plus strand): 5'-CACTAGGCTACAGGGAAAAAAAATTAAGGAAGGCAAAGAAAGAAATATATATGAAACTTA[C>T]CTTGCCTGTGAATCATGCCCCCATGCATAATTCTTGCAACAATACAATGATTTAGTTCAT-3'